The following is an entry in ClinVar:

ClinVar aggregate classification (germline): Pathogenic. Review status: criteria provided, multiple submitters, no conflicts (2 of 4 stars). 2 submissions from 2 submitters: Pathogenic (2). Last evaluated 2026-09-08.

Conditions:
Fabry disease. Also called: GLA DEFICIENCY; HEREDITARY DYSTOPIC LIPIDOSIS; Fabry's disease; Angiokeratoma corporis diffusum; Ceramide trihexosidosis; ALPHA-GALACTOSIDASE A DEFICIENCY. Identifiers: Orphanet 324, MedGen C0002986, MONDO:0010526, OMIM 301500, HP:0001071. Disease mechanism: loss of function, Fabry disease is due to inactivating mutations in the X-linked GLA gene resulting in deficiency of the enzyme Alpha Galactosidase-A..

Submissions (2):

Genomenon, Inc
Classification: Pathogenic for Fabry disease. Last evaluated: 2026-09-08. Review status: criteria provided, single submitter. Criteria: Genomenon Sequence Variant Interpretation Standards - Updated. Collection method: curation. Allele origin: germline. Affected: yes.
Comment: GLA p.Trp262Ter (c.785G>A) is a nonsense variant that introduces a premature stop codon at amino acid position 262 and is predicted to result in a truncated or absent protein product. This variant has been observed in at least one proband with clinical features consistent with Fabry disease (PMID:16595074;33527381). It is absent or not present at a significant frequency in gnomAD. In conclusion, we classify GLA p.Trp262Ter (c.785G>A) as a pathogenic variant.

Eurofins Ntd Llc (ga)
Classification: Pathogenic. Last evaluated: 2016-11-18. Review status: criteria provided, single submitter. Criteria: EGL Classification Definitions 2015. Collection method: clinical testing. Allele origin: germline. Observed: 1 variant allele, 1 heterozygote.

Literature cited by the submitters: PubMed 16595074 (cited by Genomenon, Inc); PubMed 33527381 (cited by Genomenon, Inc).

NM_000169.3(GLA):c.785G>A (p.Trp262Ter)

Genes: GLA (galactosidase alpha; minus strand), RPL36A-HNRNPH2 (RPL36A-HNRNPH2 readthrough; plus strand). Cytogenetic location: Xq22.1.
Variant type: single nucleotide variant.
Coding change: c.785G>A on transcript NM_000169.3 (MANE Select); coding-DNA position 785, G replaced by A.
Protein change: p.Trp262Ter; replaces tryptophan 262 with a stop codon.
Molecular consequence: nonsense. On other transcripts: non-coding transcript variant (3), intron variant (2).
Genome position (GRCh38, 1-based): chrX:101,398,801, C>T on the plus strand (G>A on the coding strand, the complement: GLA is on the minus strand). VCF-style: chrX-101398801-C-T. GRCh37 (hg19) VCF-style: chrX-100653789-C-T.
Other names: c.908G>A, p.Trp303Ter (NM_001406747.1); c.785G>A, p.Trp262Ter (NM_001406748.1); c.300+3344C>T (NM_001199973.2); c.177+6979C>T (NM_001199974.2); short protein forms W262*, W303*.
Identifiers: ClinVar variation 222388 (VCV000222388.7), dbSNP rs869312402, ClinGen allele CA352522.